The following is an entry in ClinVar:

ClinVar aggregate classification (germline): Likely benign. Review status: criteria provided, multiple submitters, no conflicts (2 of 4 stars). 3 submissions from 3 submitters: Likely benign (3). Last evaluated 2025-10-01.

Conditions:
Malignant hyperthermia, susceptibility to, 1 (MHS1). Also called: Anesthesia related hyperthermia; Malignant hyperpyrexia; Fulminating hyperpyrexia; Pharmacogenic myopathy; RYR1-Related Malignant Hyperthermia Susceptibility; Malignant hyperthermia suceptibility 1. Identifiers: Orphanet 423, MedGen C2930980, MONDO:0007783, OMIM 145600.
RYR1-related disorder. Also called: RYR1-related disorders; RYR1-related condition. Identifiers: MedGen CN239331.

gnomAD v4.1: 85 of 1,614,182 alleles (0.0053%); highest among the groups gnomAD compares: African/African-American, 0.019%; no homozygotes.

Submissions (3):

CeGaT Center for Human Genetics Tuebingen
Classification: Likely benign. Last evaluated: 2025-10-01. Review status: criteria provided, single submitter. Criteria: CeGaT Center For Human Genetics Tuebingen Variant Classification Criteria Version 2. Collection method: clinical testing. Allele origin: germline. Affected: yes. Observed: 1 variant allele.
Comment: RYR1: BP4, BP7

Labcorp Genetics (formerly Invitae), Labcorp
Classification: Likely benign for RYR1-related disorder. Last evaluated: 2025-08-24. Review status: criteria provided, single submitter. Criteria: Invitae Variant Classification Sherloc (09022015). Collection method: clinical testing. Allele origin: germline.

Color Diagnostics, LLC DBA Color Health
Classification: Likely benign for Malignant hyperthermia, susceptibility to, 1. Last evaluated: 2022-11-06. Review status: criteria provided, single submitter. Criteria: ACMG Guidelines, 2015. Collection method: clinical testing. Allele origin: germline.

NM_000540.3(RYR1):c.3318C>T (p.Pro1106=)

Gene: RYR1 (ryanodine receptor 1; plus strand). Cytogenetic location: 19q13.2.
Variant type: single nucleotide variant.
Coding change: c.3318C>T on transcript NM_000540.3 (MANE Select); coding-DNA position 3318, C replaced by T.
Protein change: p.Pro1106=; no amino-acid change (proline 1106 retained).
Molecular consequence: synonymous variant.
Genome position (GRCh38, 1-based): chr19:38,467,749, C>T. VCF-style: chr19-38467749-C-T. GRCh37 (hg19) VCF-style: chr19-38958389-C-T.
Other names: c.3318C>T, p.Pro1106= (NM_001042723.2).
Identifiers: ClinVar variation 1160111 (VCV001160111.15), dbSNP rs377584912, ClinGen allele CA064676.